The following is an entry in ClinVar:

ClinVar aggregate classification (germline): Likely benign (1 of 4 stars; one submission).

Submission:

CeGaT Center for Human Genetics Tuebingen
Classification: Likely benign. Last evaluated: 2025-10-01. Review status: criteria provided, single submitter. Criteria: CeGaT Center For Human Genetics Tuebingen Variant Classification Criteria Version 2. Collection method: clinical testing. Allele origin: germline. Affected: yes. Observed: 1 variant allele.
Comment: MUC4: BP4, BP7

NM_018406.7(MUC4):c.9651T>G (p.Leu3217=)

Gene: MUC4 (mucin 4, cell surface associated). Cytogenetic location: 3q29.
Variant type: single nucleotide variant.
Coding change: c.9651T>G on transcript NM_018406.7 (MANE Select); coding-DNA position 9651, T replaced by G.
Protein change: p.Leu3217=; no amino-acid change (leucine 3217 retained).
Molecular consequence: synonymous variant. On other transcripts: intron variant (2).
Genome position (GRCh38, 1-based): chr3:195,781,929, A>C on the plus strand (T>G on the coding strand, the complement: MUC4 is on the minus strand). VCF-style: chr3-195781929-A-C. GRCh37 (hg19) VCF-style: chr3-195508800-A-C.
Other names: c.83-7624T>G (NM_138297.5); c.83-3474T>G (NM_004532.6).
Identifiers: ClinVar variation 4533826 (VCV004533826.6).
Genomic context (GRCh38, chr3:195,781,929, plus strand): 5'-GCTAGTGACAGGAAGAGGCGTGGTGTCACCTGTGGATACTGAGGAAAGGCTGGTGACAGG[A>C]AGAGGGGTGGCCTGACCTGTGGATGCTGAGGAAGCGTCGGTGACAAGAAGAGGAGTGGCG-3'
Protein context (NP_060876.5, residues 3207-3227): SSASTGQATP[Leu3217=]PVTSLSSVST